The following is an entry in ClinVar:

ClinVar aggregate classification (germline): Uncertain significance (1 of 4 stars; one submission).

Submission:

Labcorp Genetics (formerly Invitae), Labcorp
Classification: Uncertain significance. Last evaluated: 2024-09-09. Review status: criteria provided, single submitter. Criteria: Invitae Variant Classification Sherloc (09022015). Collection method: clinical testing. Allele origin: germline.
Comment: This sequence change replaces threonine, which is neutral and polar, with isoleucine, which is neutral and non-polar, at codon 1266 of the AHDC1 protein (p.Thr1266Ile). This variant is not present in population databases (gnomAD no frequency). This variant has not been reported in the literature in individuals affected with AHDC1-related conditions. ClinVar contains an entry for this variant (Variation ID: 1365010). An algorithm developed to predict the effect of missense changes on protein structure and function (PolyPhen-2) suggests that this variant is likely to be disruptive. In summary, the available evidence is currently insufficient to determine the role of this variant in disease. Therefore, it has been classified as a Variant of Uncertain Significance.

NM_001371928.1(AHDC1):c.3797C>T (p.Thr1266Ile)

Gene: AHDC1 (AT-hook DNA binding motif containing 1; minus strand). Cytogenetic location: 1p36.11.
Variant type: single nucleotide variant.
Coding change: c.3797C>T on transcript NM_001371928.1 (MANE Select); coding-DNA position 3797, C replaced by T.
Protein change: p.Thr1266Ile; replaces threonine 1266 with isoleucine.
Molecular consequence: missense variant.
Genome position (GRCh38, 1-based): chr1:27,548,319, G>A on the plus strand (C>T on the coding strand, the complement: AHDC1 is on the minus strand). VCF-style: chr1-27548319-G-A. GRCh37 (hg19) VCF-style: chr1-27874830-G-A.
Other names: c.3797C>T, p.Thr1266Ile (NM_001029882.3); short protein forms T1266I.
Identifiers: ClinVar variation 1365010 (VCV001365010.8), dbSNP rs2148264968, ClinGen allele CA339225168.